The following is an entry in ClinVar:

NM_000535.7(PMS2):c.736_742delinsTGTGTGTGAAG (p.Pro246_Ser248delinsCysValTer)

Gene: PMS2 (PMS1 homolog 2, mismatch repair system component; minus strand). Cytogenetic location: 7p22.1.
Variant type: Indel.
Coding change: c.736_742delinsTGTGTGTGAAG on transcript NM_000535.7 (MANE Select); coding-DNA positions 736 to 742, CCCCCTA replaced by TGTGTGTGAAG.
Protein change: p.Pro246_Ser248delinsCysValTer.
Molecular consequence: nonsense. On other transcripts: 5 prime UTR variant (2), non-coding transcript variant (1), intron variant (3).
Genome position (GRCh38, 1-based): chr7:5,997,387-5,997,393, TAGGGGG replaced by CTTCACACACA on the plus strand (CCCCCTA replaced by TGTGTGTGAAG on the coding strand, the reverse complement: PMS2 is on the minus strand). VCF-style: chr7-5997387-TAGGGGG-CTTCACACACA. GRCh37 (hg19) VCF-style: chr7-6037018-TAGGGGG-CTTCACACACA.
Other names: c.331_337delinsTGTGTGTGAAG, p.Pro111_Ser113delinsCysValTer (NM_001322003.2, NM_001322004.2, NM_001322005.2 and 19 more transcripts); c.736_742delinsTGTGTGTGAAG, p.Pro246_Ser248delinsCysValTer (NM_001322006.2, NM_001322014.2, NM_001406870.1 and 3 more transcripts); c.418_424delinsTGTGTGTGAAG, p.Pro140_Ser142delinsCysValTer (NM_001322007.2, NM_001322008.2, NM_001406876.1 and 4 more transcripts); c.-198_-192delinsTGTGTGTGAAG (NM_001322011.2, NM_001322012.2); c.163_169delinsTGTGTGTGAAG, p.Pro55_Ser57delinsCysValTer (NM_001322013.2, NM_001406909.1); c.427_433delinsTGTGTGTGAAG, p.Pro143_Ser145delinsCysValTer (NM_001322015.2, NM_001406875.1, NM_001406877.1 and 6 more transcripts); c.922_928delinsTGTGTGTGAAG, p.Pro308_Ser310delinsCysValTer (NM_001406866.1); c.760_766delinsTGTGTGTGAAG, p.Pro254_Ser256delinsCysValTer (NM_001406868.1); and 7 more.
Identifiers: ClinVar variation 4775727 (VCV004775727.1).

ClinVar aggregate classification (germline): Pathogenic (1 of 4 stars; one submission).

Conditions:
Hereditary nonpolyposis colorectal neoplasms. Identifiers: MedGen C0009405, MeSH D003123.

Submission:

Labcorp Genetics (formerly Invitae), Labcorp
Classification: Pathogenic for Hereditary nonpolyposis colorectal neoplasms. Last evaluated: 2022-01-15. Review status: criteria provided, single submitter. Criteria: Invitae Variant Classification Sherloc (09022015). Collection method: clinical testing. Allele origin: germline.
Comment: For these reasons, this variant has been classified as Pathogenic. This variant is also known as c.736_741del6ins11. This premature translational stop signal has been observed in individual(s) with Lynch syndrome-associated tumors (PMID: 16619239, 18178629, 21376568, 24323032). In at least one individual the data is consistent with being in trans (on the opposite chromosome) from a pathogenic variant. It is commonly reported in individuals of British and Swedish ancestry (PMID: 18178629). This variant is present in population databases (rs756653193, gnomAD 0.004%). This sequence change creates a premature translational stop signal (p.Pro246Cysfs*3) in the PMS2 gene. It is expected to result in an absent or disrupted protein product. Loss-of-function variants in PMS2 are known to be pathogenic (PMID: 21376568, 24362816).

Literature cited by the submitters: PubMed 16619239; PubMed 18178629; PubMed 21376568; PubMed 24323032; PubMed 24362816.